The following is an entry in ClinVar:

NM_153676.4(USH1C):c.2547-159_2547-158del

Gene: USH1C (USH1 protein network component harmonin; minus strand). Cytogenetic location: 11p15.1.
Variant type: Deletion.
Coding change: c.2547-159_2547-158del on transcript NM_153676.4 (MANE Select); 159 bases into the intron before coding-DNA position 2547 through 158 bases into the intron before coding-DNA position 2547, 2 bases deleted (AT; older notation c.2547-159_2547-158delAT).
Molecular consequence: intron variant.
Genome position (GRCh38, 1-based): chr11:17,495,835-17,495,836, AT deleted on the plus strand (AT on the coding strand, the reverse complement: USH1C is on the minus strand). VCF-style (leftmost placement, unchanged base first): chr11-17495834-CAT-C. GRCh37 (hg19) VCF-style: chr11-17517381-CAT-C.
Other names: c.1589+922_1589+923del (NM_001297764.2); c.1646+922_1646+923del (NM_005709.4).
Identifiers: ClinVar variation 678908 (VCV000678908.1), dbSNP rs10530940, ClinGen allele CA218480989.

ClinVar aggregate classification (germline): Benign (1 of 4 stars; one submission).

Allele frequency attached by ClinVar (database versions not stated): gnomAD 0.50141 and 0.50967; TOPMed 0.51368; 1000 Genomes Project 30x 0.55075; 1000 Genomes Project 0.55431.

Submission:

GeneDx
Classification: Benign. Last evaluated: 2018-06-14. Review status: criteria provided, single submitter. Criteria: GeneDx Variant Classification (06012015). Collection method: clinical testing. Allele origin: germline. Affected: yes.
Comment: This variant is considered likely benign or benign based on one or more of the following criteria: it is a conservative change, it occurs at a poorly conserved position in the protein, it is predicted to be benign by multiple in silico algorithms, and/or has population frequency not consistent with disease.